The following is an entry in ClinVar:

NM_014991.6(WDFY3):c.2476A>C (p.Asn826His)

Genes: WDFY3 (WD repeat and FYVE domain containing 3; minus strand), WDFY3-AS1 (WDFY3 antisense RNA 1; plus strand). Cytogenetic location: 4q21.23.
Variant type: single nucleotide variant.
Coding change: c.2476A>C on transcript NM_014991.6 (MANE Select); coding-DNA position 2476, A replaced by C.
Protein change: p.Asn826His; replaces asparagine 826 with histidine.
Molecular consequence: missense variant.
Genome position (GRCh38, 1-based): chr4:84,803,421, T>G on the plus strand (A>C on the coding strand, the complement: WDFY3 is on the minus strand). VCF-style: chr4-84803421-T-G. GRCh37 (hg19) VCF-style: chr4-85724574-T-G.
Other names: short protein forms N826H.
Identifiers: ClinVar variation 3378138 (VCV003378138.1).

ClinVar aggregate classification (germline): Uncertain significance (1 of 4 stars; one submission).

Submission:

GeneDx
Classification: Uncertain significance. Last evaluated: 2024-05-10. Review status: criteria provided, single submitter. Criteria: GeneDx Variant Classification Process June 2021. Collection method: clinical testing. Allele origin: germline. Affected: yes.
Comment: Not observed at significant frequency in large population cohorts (gnomAD); In silico analysis indicates that this missense variant does not alter protein structure/function; Has not been previously published as pathogenic or benign to our knowledge